The following is an entry in ClinVar:

ClinVar aggregate classification (germline): Uncertain significance. Review status: criteria provided, single submitter (1 of 4 stars). 2 submissions from 2 submitters: Uncertain significance (1). 1 of the submissions does not count toward it. Last evaluated 2022-08-31.

Conditions:
Meckel-Gruber syndrome. Also called: Dysencephalia splachnocystica; DYSENCEPHALIA SPLANCHNOCYSTICA; GRUBER SYNDROME. Identifiers: Orphanet 564, MedGen C0265215, MONDO:0018921.
Nephronophthisis. Also called: Juvenile Nephronophthisis. Identifiers: Orphanet 655, MedGen C0687120, MONDO:0019005, HP:0000090.
Joubert syndrome. Also called: Familial aplasia of the vermis; CEREBELLOPARENCHYMAL DISORDER IV; JOUBERT-BOLTSHAUSER SYNDROME. Identifiers: Orphanet 475, MedGen C5979921, MONDO:0018772.
Leber congenital amaurosis (LCA). Also called: Leber's amaurosis. Identifiers: Orphanet 65, MedGen C0339527, MeSH D057130, MONDO:0018998.

Submissions (2):

Labcorp Genetics (formerly Invitae), Labcorp
Classification: Uncertain significance for Joubert syndrome; Meckel-Gruber syndrome; Nephronophthisis. Last evaluated: 2022-08-31. Review status: criteria provided, single submitter. Criteria: Invitae Variant Classification Sherloc (09022015). Collection method: clinical testing. Allele origin: germline.
Comment: This variant, c.5577_5579del, is a complex sequence change that results in the deletion of 2 and insertion of 1 amino acid(s) in the CEP290 protein (p.Ser1859_Gly1860delinsArg). This variant is not present in population databases (gnomAD no frequency). This variant has not been reported in the literature in individuals affected with CEP290-related conditions. ClinVar contains an entry for this variant (Variation ID: 963793). Experimental studies and prediction algorithms are not available or were not evaluated, and the functional significance of this variant is currently unknown. In summary, the available evidence is currently insufficient to determine the role of this variant in disease. Therefore, it has been classified as a Variant of Uncertain Significance.

Natera, Inc.
Classification: Uncertain significance for Leber congenital amaurosis. Last evaluated: 2020-02-13. Review status: no assertion criteria provided. Collection method: clinical testing. Allele origin: germline. Not counted in ClinVar's aggregate classification.

NM_025114.4(CEP290):c.5577_5579del (p.Ser1859_Gly1860delinsArg)

Gene: CEP290 (centrosomal protein 290; minus strand). Cytogenetic location: 12q21.32.
Variant type: Deletion.
Coding change: c.5577_5579del on transcript NM_025114.4 (MANE Select); coding-DNA positions 5577 to 5579, 3 bases deleted (TGG; older notation c.5577_5579delTGG).
Protein change: p.Ser1859_Gly1860delinsArg.
Molecular consequence: inframe indel.
Genome position (GRCh38, 1-based): chr12:88,077,704-88,077,706, CCA deleted on the plus strand (TGG on the coding strand, the reverse complement: CEP290 is on the minus strand); deleting any 3 consecutive bases within chr12:88,077,704-88,077,707 gives the same sequence; the c. name uses the placement nearest the transcript's 3' end. VCF-style (leftmost placement, unchanged base first): chr12-88077703-TCCA-T. GRCh37 (hg19) VCF-style: chr12-88471480-TCCA-T.
Identifiers: ClinVar variation 963793 (VCV000963793.8), dbSNP rs2035881706, ClinGen allele CA1139662794.